The following is an entry in ClinVar:

ClinVar aggregate classification (germline): Uncertain significance (1 of 4 stars; one submission).

Conditions:
Gorlin syndrome. Also called: Basal cell nevus syndrome; Nevoid Basal Cell Carcinoma Syndrome. Identifiers: Orphanet 377, MedGen C0004779, MONDO:0007187.

Submission:

Labcorp Genetics (formerly Invitae), Labcorp
Classification: Uncertain significance for Gorlin syndrome. Last evaluated: 2018-08-26. Review status: criteria provided, single submitter. Criteria: Invitae Variant Classification Sherloc (09022015). Collection method: clinical testing. Allele origin: germline.
Comment: In summary, the available evidence is currently insufficient to determine the role of this variant in disease. Therefore, it has been classified as a Variant of Uncertain Significance. Algorithms developed to predict the effect of missense changes on protein structure and function (SIFT, PolyPhen-2, Align-GVGD) all suggest that this variant is likely to be tolerated, but these predictions have not been confirmed by published functional studies and their clinical significance is uncertain. This variant has not been reported in the literature in individuals with PTCH1-related disease. This variant is not present in population databases (ExAC no frequency). This sequence change replaces serine with asparagine at codon 444 of the PTCH1 protein (p.Ser444Asn). The serine residue is moderately conserved and there is a small physicochemical difference between serine and asparagine.

NM_000264.5(PTCH1):c.1331G>A (p.Ser444Asn)

Gene: PTCH1 (patched 1; minus strand). Cytogenetic location: 9q22.32.
Variant type: single nucleotide variant.
Coding change: c.1331G>A on transcript NM_000264.5 (MANE Select); coding-DNA position 1331, G replaced by A.
Protein change: p.Ser444Asn; replaces serine 444 with asparagine.
Molecular consequence: missense variant. On other transcripts: non-coding transcript variant (1).
Genome position (GRCh38, 1-based): chr9:95,478,071, C>T on the plus strand (G>A on the coding strand, the complement: PTCH1 is on the minus strand). VCF-style: chr9-95478071-C-T. GRCh37 (hg19) VCF-style: chr9-98240353-C-T.
Other names: c.1133G>A, p.Ser378Asn (NM_001083602.3); c.1328G>A, p.Ser443Asn (NM_001083603.3); c.878G>A, p.Ser293Asn (NM_001083604.3, NM_001083605.3, NM_001083606.3 and 1 more transcripts); c.1331G>A, p.Ser444Asn (NM_001354918.2); short protein forms S444N, S293N, S378N, S443N.
Identifiers: ClinVar variation 647278 (VCV000647278.9), dbSNP rs1588602411, ClinGen allele CA374118735.